The following is an entry in ClinVar:

NM_002156.5(HSPD1):c.947T>C (p.Met316Thr)

Gene: HSPD1 (heat shock protein family D (Hsp60) member 1; minus strand). Cytogenetic location: 2q33.1.
Variant type: single nucleotide variant.
Coding change: c.947T>C on transcript NM_002156.5 (MANE Select); coding-DNA position 947, T replaced by C.
Protein change: p.Met316Thr; replaces methionine 316 with threonine.
Molecular consequence: missense variant.
Genome position (GRCh38, 1-based): chr2:197,490,219, A>G on the plus strand (T>C on the coding strand, the complement: HSPD1 is on the minus strand). VCF-style: chr2-197490219-A-G. GRCh37 (hg19) VCF-style: chr2-198354943-A-G.
Other names: c.947T>C, p.Met316Thr (NM_199440.2); short protein forms M316T.
Identifiers: ClinVar variation 1029563 (VCV001029563.1), dbSNP rs528363238, ClinGen allele CA2043465.

ClinVar aggregate classification (germline): Uncertain significance (1 of 4 stars; one submission).

Conditions:
Leukodystrophy, hypomyelinating, 4. Also called: MITCHAP60 DISEASE; MITOCHONDRIAL HSP60 CHAPERONOPATHY. Identifiers: Orphanet 280270, Orphanet 280288, MedGen C2677109, MONDO:0012824, OMIM 612233.

Allele frequency attached by ClinVar (database versions not stated): TOPMed below 0.00001; gnomAD 0.00001; gnomAD exomes 0.00002 and 0.00006; ExAC 0.00007; 1000 Genomes Project 30x 0.00016; 1000 Genomes Project 0.00020.
gnomAD v4.1: 35 of 1,613,170 alleles (0.0022%); highest among the groups gnomAD compares: South Asian, 0.021%; no homozygotes.

Submission:

Baylor Genetics
Classification: Uncertain significance for Leukodystrophy, hypomyelinating, 4. Last evaluated: 2020-09-03. Review status: criteria provided, single submitter. Criteria: ACMG Guidelines, 2015. Collection method: clinical testing. Allele origin: maternal. Affected: yes.
Comment: This variant was determined to be of uncertain significance according to ACMG Guidelines, 2015 [PMID:25741868].